The following is an entry in ClinVar:

ClinVar aggregate classification (germline): Uncertain significance (1 of 4 stars; one submission).

Submission:

GeneDx
Classification: Uncertain significance. Last evaluated: 2026-02-08. Review status: criteria provided, single submitter. Criteria: GeneDx Variant Classification Process June 2021. Collection method: clinical testing. Allele origin: germline. Affected: yes.
Comment: Identified in association with HCM in two unrelated patients in published literature; however, both patients also harbored the R719Q variant in the MYH7 gene, one of which was confirmed to be on the same allele (in cis) (PMID: 20309391, 15358028); Not observed at significant frequency in large population cohorts (gnomAD); In silico analysis supports that this missense variant has a deleterious effect on protein structure/function; This variant is associated with the following publications: (PMID: 20309391, 15358028)

NM_000257.4(MYH7):c.4538C>G (p.Thr1513Ser)

Genes: MHRT (myosin heavy chain associated RNA transcript; plus strand), MYH7 (myosin heavy chain 7; minus strand). Cytogenetic location: 14q11.2.
Variant type: single nucleotide variant.
Coding change: c.4538C>G on transcript NM_000257.4 (MANE Select); coding-DNA position 4538, C replaced by G.
Protein change: p.Thr1513Ser; replaces threonine 1513 with serine.
Molecular consequence: missense variant. On other transcripts: non-coding transcript variant (1).
Genome position (GRCh38, 1-based): chr14:23,416,974, G>C on the plus strand (C>G on the coding strand, the complement: MYH7 is on the minus strand). VCF-style: chr14-23416974-G-C. GRCh37 (hg19) VCF-style: chr14-23886183-G-C.
Other names: c.4538C>G, p.Thr1513Ser (NM_001407004.1); short protein forms T1513S.
Identifiers: ClinVar variation 3371701 (VCV003371701.2).